The following is an entry in ClinVar:

NM_006904.7(PRKDC):c.7722C>A (p.Asn2574Lys)

Gene: PRKDC (protein kinase, DNA-activated, catalytic subunit; minus strand). Cytogenetic location: 8q11.21.
Variant type: single nucleotide variant.
Coding change: c.7722C>A on transcript NM_006904.7 (MANE Select); coding-DNA position 7722, C replaced by A.
Protein change: p.Asn2574Lys; replaces asparagine 2574 with lysine.
Molecular consequence: missense variant.
Genome position (GRCh38, 1-based): chr8:47,837,251, G>T on the plus strand (C>A on the coding strand, the complement: PRKDC is on the minus strand). VCF-style: chr8-47837251-G-T. GRCh37 (hg19) VCF-style: chr8-48749812-G-T.
Other names: c.7722C>A, p.Asn2574Lys (NM_001081640.2); short protein forms N2574K.
Identifiers: ClinVar variation 2394111 (VCV002394111.3), dbSNP rs1336140395, ClinGen allele CA371152559.

ClinVar aggregate classification (germline): Uncertain significance. Review status: criteria provided, single submitter (1 of 4 stars). 2 submissions from 2 submitters: Uncertain significance (1). 1 of the submissions does not count toward it. Last evaluated 2022-01-18.

Conditions:
PRKDC-related disorder. Also called: PRKDC-related condition.

Submissions (2):

Ambry Genetics
Classification: Uncertain significance. Last evaluated: 2022-01-18. Review status: criteria provided, single submitter. Criteria: Ambry Variant Classification Scheme 2023. Collection method: clinical testing. Allele origin: germline.

PreventionGenetics, part of Exact Sciences
Classification: Likely benign for PRKDC-related condition. Last evaluated: 2024-06-07. Review status: no assertion criteria provided. Collection method: clinical testing. Allele origin: germline. Not counted in ClinVar's aggregate classification.
Comment: This variant is classified as likely benign based on ACMG/AMP sequence variant interpretation guidelines (Richards et al. 2015 PMID: 25741868, with internal and published modifications).